The following is an entry in ClinVar:

ClinVar aggregate classification (germline): Uncertain significance (1 of 4 stars; one submission).

Submission:

CeGaT Center for Human Genetics Tuebingen
Classification: Uncertain significance. Last evaluated: 2026-07-01. Review status: criteria provided, single submitter. Criteria: CeGaT Center For Human Genetics Tuebingen Variant Classification Criteria Version 2. Collection method: clinical testing. Allele origin: germline. Affected: yes. Observed: 1 variant allele.
Comment: PKD1: PM2, BP4

NM_001009944.3(PKD1):c.305A>G (p.Lys102Arg)

Gene: PKD1 (polycystin 1, transient receptor potential channel interacting; minus strand). Cytogenetic location: 16p13.3.
Variant type: single nucleotide variant.
Coding change: c.305A>G on transcript NM_001009944.3 (MANE Select); coding-DNA position 305, A replaced by G.
Protein change: p.Lys102Arg; replaces lysine 102 with arginine.
Molecular consequence: missense variant.
Genome position (GRCh38, 1-based): chr16:2,119,168, T>C on the plus strand (A>G on the coding strand, the complement: PKD1 is on the minus strand). VCF-style: chr16-2119168-T-C. GRCh37 (hg19) VCF-style: chr16-2169169-T-C.
Other names: c.305A>G, p.Lys102Arg (NM_000296.4); short protein forms K102R.
Identifiers: ClinVar variation 5040264 (VCV005040264.1).